The following is an entry in ClinVar:

ClinVar aggregate classification (germline): Likely pathogenic (1 of 4 stars; one submission).

Submission:

GeneDx
Classification: Likely pathogenic. Last evaluated: 2017-03-22. Review status: criteria provided, single submitter. Criteria: GeneDx Variant Classification (06012015). Collection method: clinical testing. Allele origin: germline. Affected: yes.
Comment: A variant that is likely pathogenic has been identified in the SCN1A gene. The c.5486delC variant has not been published as a pathogenic variant, nor has it been reported as a benign variant to our knowledge. The c.5486delC variant causes a frameshift starting with codon Serine 1829, changes this amino acid to a phenylalanine residue and creates a premature Stop codon at position 29 of the new reading frame, denoted p.Ser1829PhefsX29. This variant is predicted to cause loss of normal protein function through protein truncation, as the last 181 aminio acids are replaced with 28 aberrant residues. The c.5486delC variant is not observed in large population cohorts (Lek et al., 2016; 1000 Genomes Consortium et al., 2015; Exome Variant Server). Therefore, this variant is likely pathogenic; however, the possibility that it is benign cannot be excluded.

NM_001165963.4(SCN1A):c.5486del (p.Ser1829fs)

Genes: SCN1A (sodium voltage-gated channel alpha subunit 1; minus strand), LOC102724058 (uncharacterized LOC102724058; plus strand). Cytogenetic location: 2q24.3.
Variant type: Deletion.
Coding change: c.5486del on transcript NM_001165963.4 (MANE Select); coding-DNA position 5486, one base deleted (C; older notation c.5486delC).
Protein change: p.Ser1829fs; shifts the reading frame from serine 1829.
Molecular consequence: frameshift variant. On other transcripts: non-coding transcript variant (1).
Genome position (GRCh38, 1-based): chr2:165,991,789, G deleted on the plus strand (C on the coding strand, the reverse complement: SCN1A is on the minus strand). VCF-style (leftmost placement, unchanged base first): chr2-165991788-AG-A. GRCh37 (hg19) VCF-style: chr2-166848298-AG-A.
Other names: c.5402del, p.Ser1801fs (NM_001165964.3, NM_001353957.2, NM_001353958.2); c.5486del, p.Ser1829fs (NM_001202435.3, NM_001353948.2); c.5453del, p.Ser1818fs (NM_001353949.2, NM_001353950.2, NM_001353951.2 and 2 more transcripts); c.5450del, p.Ser1817fs (NM_001353954.2, NM_001353955.2); c.5399del, p.Ser1800fs (NM_001353960.2); c.3044del, p.Ser1015fs (NM_001353961.2); short protein forms S1817fs, S1800fs, S1801fs, S1015fs, S1818fs, S1829fs.
Identifiers: ClinVar variation 424478 (VCV000424478.2), dbSNP rs1064796990, ClinGen allele CA16617280.
Genomic context (GRCh38, chr2:165,991,788, plus strand): 5'-GAGCTGGAGTTTGTTTGGTTGTGGCAGATTGAGAGGCGGTTCAAGCGCAGCTGCAAACTG[AG>A]ATAATTTTTCAAATTCCATGAACTGAGTTGCATCGGGATCAAACTTCTCCCAAACCTCAT-3'